The following is an entry in ClinVar:

NM_024490.4(ATP10A):c.3562A>G (p.Ile1188Val)

Gene: ATP10A (ATPase phospholipid transporting 10A (putative); minus strand). Cytogenetic location: 15q12.
Variant type: single nucleotide variant.
Coding change: c.3562A>G on transcript NM_024490.4 (MANE Select); coding-DNA position 3562, A replaced by G.
Protein change: p.Ile1188Val; replaces isoleucine 1188 with valine.
Molecular consequence: missense variant.
Genome position (GRCh38, 1-based): chr15:25,681,005, T>C on the plus strand (A>G on the coding strand, the complement: ATP10A is on the minus strand). VCF-style: chr15-25681005-T-C. GRCh37 (hg19) VCF-style: chr15-25926152-T-C.
Other names: short protein forms I1188V.
Identifiers: ClinVar variation 789330 (VCV000789330.28), dbSNP rs2076745, ClinGen allele CA7436072.

ClinVar aggregate classification (germline): Likely benign. Review status: criteria provided, multiple submitters, no conflicts (2 of 4 stars). 3 submissions from 3 submitters: Likely benign (3). Last evaluated 2026-04-01.

Allele frequency attached by ClinVar (database versions not stated): 1000 Genomes Project 0.00240; 1000 Genomes Project 30x 0.00281; ExAC 0.00356; gnomAD exomes 0.00391 and 0.00520; gnomAD 0.00412 and 0.00424; TOPMed 0.00444; ESP Exome Variant Server 0.00515.
gnomAD v4.1: 8,197 of 1,614,058 alleles (0.51%); highest among the groups gnomAD compares: Non-Finnish European, 0.6%; 28 homozygotes.

Submissions (3):

CeGaT Center for Human Genetics Tuebingen
Classification: Likely benign. Last evaluated: 2026-04-01. Review status: criteria provided, single submitter. Criteria: CeGaT Center For Human Genetics Tuebingen Variant Classification Criteria Version 2. Collection method: clinical testing. Allele origin: germline. Affected: yes. Observed: 4 variant alleles.
Comment: ATP10A: BS2

Labcorp Genetics (formerly Invitae), Labcorp
Classification: Likely benign. Last evaluated: 2019-12-31. Review status: criteria provided, single submitter. Criteria: Invitae Variant Classification Sherloc (09022015). Collection method: clinical testing. Allele origin: germline.

Breakthrough Genomics
Classification: Likely benign. Review status: criteria provided, single submitter. Criteria: ACMG Guidelines, 2015. Collection method: not provided. Allele origin: germline. Inheritance: Unknown mechanism. Affected: yes.